The following is an entry in ClinVar:

NM_002906.4(RDX):c.1364A>C (p.Asp455Ala)

Gene: RDX (radixin; minus strand). Cytogenetic location: 11q22.3.
Variant type: single nucleotide variant.
Coding change: c.1364A>C on transcript NM_002906.4 (MANE Select); coding-DNA position 1364, A replaced by C.
Protein change: p.Asp455Ala; replaces aspartic acid 455 with alanine.
Molecular consequence: missense variant. On other transcripts: intron variant (1).
Genome position (GRCh38, 1-based): chr11:110,233,460, T>G on the plus strand (A>C on the coding strand, the complement: RDX is on the minus strand). VCF-style: chr11-110233460-T-G. GRCh37 (hg19) VCF-style: chr11-110104185-T-G.
Other names: c.1364A>C, p.Asp455Ala (NM_001260492.2, NM_001260493.2); c.956A>C, p.Asp319Ala (NM_001260494.2); c.323A>C, p.Asp108Ala (NM_001260495.2); c.405-1456A>C (NM_001260496.2); short protein forms D455A, D319A, D108A.
Identifiers: ClinVar variation 179698 (VCV000179698.9), dbSNP rs727505062, ClinGen allele CA184951.
Genomic context (GRCh38, chr11:110,233,460, plus strand): 5'-GGTGGAGGTGGAGGGGGGGCAGACATCACAGTTTTTAACTCTTCTTTGGTCTTTTCCAAG[T>G]CTTCCTGGGCTGCAAAAGCCTGAACATTAAAAATACGTTTATGAGCAACTTACTTCAAAA-3'
Protein context (NP_002897.1, residues 445-465): WQHKAFAAQE[Asp455Ala]LEKTKEELKT

ClinVar aggregate classification (germline): Uncertain significance. Review status: criteria provided, multiple submitters, no conflicts (2 of 4 stars). 3 submissions from 3 submitters: Uncertain significance (3). Last evaluated 2024-02-26.

Allele frequency attached by ClinVar (database versions not stated): gnomAD exomes below 0.00001 and 0.00001; TOPMed below 0.00001; ExAC 0.00001; gnomAD 0.00001.
gnomAD v4.1: 7 of 1,614,040 alleles (0.00043%); highest among the groups gnomAD compares: Non-Finnish European, 0.00059%; no homozygotes.

Submissions (3):

GeneDx
Classification: Uncertain significance. Last evaluated: 2024-02-26. Review status: criteria provided, single submitter. Criteria: GeneDx Variant Classification Process June 2021. Collection method: clinical testing. Allele origin: germline. Affected: yes.
Comment: Not observed at significant frequency in large population cohorts (gnomAD); In silico analysis supports that this missense variant has a deleterious effect on protein structure/function; Has not been previously published as pathogenic or benign to our knowledge

Labcorp Genetics (formerly Invitae), Labcorp
Classification: Uncertain significance. Last evaluated: 2021-07-30. Review status: criteria provided, single submitter. Criteria: Invitae Variant Classification Sherloc (09022015). Collection method: clinical testing. Allele origin: germline.
Comment: In summary, the available evidence is currently insufficient to determine the role of this variant in disease. Therefore, it has been classified as a Variant of Uncertain Significance. Algorithms developed to predict the effect of missense changes on protein structure and function are either unavailable or do not agree on the potential impact of this missense change (SIFT: "Tolerated"; PolyPhen-2: "Possibly Damaging"; Align-GVGD: "Class C0"). ClinVar contains an entry for this variant (Variation ID: 179698). This variant has not been reported in the literature in individuals affected with RDX-related conditions. This variant is present in population databases (rs727505062, ExAC 0.002%). This sequence change replaces aspartic acid with alanine at codon 455 of the RDX protein (p.Asp455Ala). The aspartic acid residue is moderately conserved and there is a moderate physicochemical difference between aspartic acid and alanine.

Laboratory for Molecular Medicine, Mass General Brigham Personalized Medicine
Classification: Uncertain significance. Last evaluated: 2014-04-12. Review status: criteria provided, single submitter. Criteria: LMM Criteria. Collection method: clinical testing. Allele origin: germline. Observed: 1 variant allele.
Comment: The Asp455Ala variant in RDX has not been previously reported in individuals wit h hearing loss and was absent from large population studies. Computational predi ction tools and conservation analyses suggest that the Asp455Ala variant may imp act the protein, though this information is not predictive enough to determine p athogenicity. In summary, the clinical significance of the Asp455Ala variant is uncertain.